The following is an entry in ClinVar:

ClinVar aggregate classification (germline): Uncertain significance. Review status: criteria provided, multiple submitters, no conflicts (2 of 4 stars). 2 submissions from 2 submitters: Uncertain significance (2). Last evaluated 2026-01-18.

Conditions:
Charcot-Marie-Tooth disease type 2. Also called: Charcot-Marie-Tooth type 2. Identifiers: Orphanet 64746, MedGen C0270914, MONDO:0018993.

Allele frequency attached by ClinVar (database versions not stated): gnomAD 0.00004; ExAC 0.00002; TOPMed 0.00002; gnomAD exomes 0.00003.
gnomAD v4.1: 53 of 1,613,974 alleles (0.0033%); highest among the groups gnomAD compares: Middle Eastern, 0.033%; 1 homozygote.

Submissions (2):

Labcorp Genetics (formerly Invitae), Labcorp
Classification: Uncertain significance for Charcot-Marie-Tooth disease type 2. Last evaluated: 2026-01-18. Review status: criteria provided, single submitter. Criteria: Invitae Variant Classification Sherloc (09022015). Collection method: clinical testing. Allele origin: germline.
Comment: This sequence change replaces arginine, which is basic and polar, with glutamine, which is neutral and polar, at codon 706 of the KIF1B protein (p.Arg706Gln). This variant is present in population databases (rs752469685, gnomAD 0.007%). This variant has not been reported in the literature in individuals affected with KIF1B-related conditions. ClinVar contains an entry for this variant (Variation ID: 1786187). Invitae Evidence Modeling of protein sequence and biophysical properties (such as structural, functional, and spatial information, amino acid conservation, physicochemical variation, residue mobility, and thermodynamic stability) indicates that this missense variant is not expected to disrupt KIF1B protein function with a negative predictive value of 80%. In summary, the available evidence is currently insufficient to determine the role of this variant in disease. Therefore, it has been classified as a Variant of Uncertain Significance.

Ambry Genetics
Classification: Uncertain significance. Last evaluated: 2024-09-12. Review status: criteria provided, single submitter. Criteria: Ambry Variant Classification Scheme 2023. Collection method: clinical testing. Allele origin: germline.
Comment: The p.R706Q variant (also known as c.2117G>A), located in coding exon 21 of the KIF1B gene, results from a G to A substitution at nucleotide position 2117. The arginine at codon 706 is replaced by glutamine, an amino acid with highly similar properties. This amino acid position is highly conserved in available vertebrate species. In addition, the in silico prediction for this alteration is inconclusive. Since supporting evidence is limited at this time, the clinical significance of this alteration remains unclear.

NM_001365951.3(KIF1B):c.2255G>A (p.Arg752Gln)

Gene: KIF1B (kinesin family member 1B; plus strand). Cytogenetic location: 1p36.22.
Variant type: single nucleotide variant.
Coding change: c.2255G>A on transcript NM_001365951.3 (MANE Select); coding-DNA position 2255, G replaced by A.
Protein change: p.Arg752Gln; replaces arginine 752 with glutamine.
Molecular consequence: missense variant.
Genome position (GRCh38, 1-based): chr1:10,321,754, G>A. VCF-style: chr1-10321754-G-A. GRCh37 (hg19) VCF-style: chr1-10381812-G-A.
Other names: c.2255G>A, p.Arg752Gln (NM_001365952.1); c.2117G>A, p.Arg706Gln (NM_015074.3); short protein forms R752Q, R706Q.
Identifiers: ClinVar variation 1786187 (VCV001786187.8), dbSNP rs752469685, ClinGen allele CA581491.